The following is an entry in ClinVar:

ClinVar aggregate classification (germline): Conflicting classifications of pathogenicity. Review status: criteria provided, conflicting classifications (1 of 4 stars). 3 submissions from 3 submitters: Uncertain significance (2); Likely benign (1). Last evaluated 2025-09-26.

Conditions:
Ullrich congenital muscular dystrophy 2 (UCMD2). Identifiers: Orphanet 75840, MedGen C4225314, MONDO:0014654, OMIM 616470.
Bethlem myopathy 2 (BTHLM2). Identifiers: Orphanet 536516, Orphanet 610, MedGen C4225313, MONDO:0034022, OMIM 616471.

Allele frequency attached by ClinVar (database versions not stated): gnomAD exomes below 0.00001; gnomAD 0.00001; TOPMed 0.00002.
gnomAD v4.1: 3 of 1,613,022 alleles (0.00019%); highest among the groups gnomAD compares: Non-Finnish European, 0.00017%; no homozygotes.

Submissions (3):

Mayo Clinic Laboratories, Mayo Clinic
Classification: Likely benign. Last evaluated: 2025-09-26. Review status: criteria provided, single submitter. Criteria: ACMG Guidelines, 2015. Collection method: clinical testing. Allele origin: germline. Observed: 1 variant allele.
Comment: BP4, BP7, PM2_supporting

Labcorp Genetics (formerly Invitae), Labcorp
Classification: Uncertain significance for Bethlem myopathy 2; Ullrich congenital muscular dystrophy 2. Last evaluated: 2021-04-04. Review status: criteria provided, single submitter. Criteria: Invitae Variant Classification Sherloc (09022015). Collection method: clinical testing. Allele origin: germline.
Comment: In summary, the available evidence is currently insufficient to determine the role of this variant in disease. Therefore, it has been classified as a Variant of Uncertain Significance. Nucleotide substitutions within the consensus splice site are a relatively common cause of aberrant splicing (PMID: 17576681, 9536098). Algorithms developed to predict the effect of sequence changes on RNA splicing suggest that this variant may disrupt the consensus splice site, but this prediction has not been confirmed by published transcriptional studies. This variant has not been reported in the literature in individuals with COL12A1-related conditions. This variant is not present in population databases (ExAC no frequency). This sequence change falls in intron 57 of the COL12A1 gene. It does not directly change the encoded amino acid sequence of the COL12A1 protein, but it affects a nucleotide within the consensus splice site of the intron.

Revvity Omics, Revvity
Classification: Uncertain significance. Last evaluated: 2020-02-25. Review status: criteria provided, single submitter. Criteria: ACMG Guidelines, 2015. Collection method: clinical testing. Allele origin: germline.

Literature cited by the submitters: PubMed 17576681 (cited by Labcorp Genetics (formerly Invitae), Labcorp); PubMed 9536098 (cited by Labcorp Genetics (formerly Invitae), Labcorp).

NM_004370.6(COL12A1):c.8470-3C>A

Gene: COL12A1 (collagen type XII alpha 1 chain; minus strand). Cytogenetic location: 6q13.
Variant type: single nucleotide variant.
Coding change: c.8470-3C>A on transcript NM_004370.6 (MANE Select); 3 bases into the intron before coding-DNA position 8470, C replaced by A.
Molecular consequence: intron variant.
Genome position (GRCh38, 1-based): chr6:75,101,656, G>T on the plus strand (C>A on the coding strand, the complement: COL12A1 is on the minus strand). VCF-style: chr6-75101656-G-T. GRCh37 (hg19) VCF-style: chr6-75811372-G-T.
Other names: p.?; c.4978-3C>A (NM_080645.3).
Identifiers: ClinVar variation 1060489 (VCV001060489.10), dbSNP rs1169467662, ClinGen allele CA828074263.
Genomic context (GRCh38, chr6:75,101,656, plus strand): 5'-TTACTCTGTCTCCTGGAGGTCCCATTGGTCCTGGTGGGCCAGGTAATCCTGGGGTTCCCT[G>T]CACAGAAGGAAACAAACAAGTGAAACATTATAATATACTTCCTGTGTGGGAGAGAATCTT-3'